The following is an entry in ClinVar:

NM_018897.3(DNAH7):c.6873T>C (p.Asn2291=)

Gene: DNAH7 (dynein axonemal heavy chain 7; minus strand). Cytogenetic location: 2q32.3.
Variant type: single nucleotide variant.
Coding change: c.6873T>C on transcript NM_018897.3 (MANE Select); coding-DNA position 6873, T replaced by C.
Protein change: p.Asn2291=; no amino-acid change (asparagine 2291 retained).
Molecular consequence: synonymous variant.
Genome position (GRCh38, 1-based): chr2:195,864,782, A>G on the plus strand (T>C on the coding strand, the complement: DNAH7 is on the minus strand). VCF-style: chr2-195864782-A-G. GRCh37 (hg19) VCF-style: chr2-196729506-A-G.
Identifiers: ClinVar variation 3047874 (VCV003047874.2), dbSNP rs369492825, ClinGen allele CA2034995.
Genomic context (GRCh38, chr2:195,864,782, plus strand): 5'-CATGGGTTTTTTGCTTATATTGTTGTATTCTTCTAGGTGAATTTCTACTATCATTCGAAG[A>G]TTATCCACATCTGCGATTTCTCTGTAGTTGGTATCCTCCCTCTTGGGATCATGGAAATCA-3'
Protein context (NP_061720.2, residues 2281-2301): TNYREIADVD[Asn2291=]LRMIVEIHLE

ClinVar aggregate classification (germline): Likely benign (0 of 4 stars; one submission).

Conditions:
DNAH7-related disorder. Also called: DNAH7-related condition.

Allele frequency attached by ClinVar (database versions not stated): ExAC 0.00001; gnomAD exomes 0.00002; TOPMed 0.00005; gnomAD 0.00007; ESP Exome Variant Server 0.00008.
gnomAD v4.1: 37 of 1,614,118 alleles (0.0023%); highest among the groups gnomAD compares: African/African-American, 0.0053%; no homozygotes.

Submission:

PreventionGenetics, part of Exact Sciences
Classification: Likely benign for DNAH7-related condition. Last evaluated: 2019-03-27. Review status: no assertion criteria provided. Collection method: clinical testing. Allele origin: germline.
Comment: This variant is classified as likely benign based on ACMG/AMP sequence variant interpretation guidelines (Richards et al. 2015 PMID: 25741868, with internal and published modifications).